The following is an entry in ClinVar:

NM_001291303.3(FAT4):c.7832G>A (p.Gly2611Asp)

Gene: FAT4 (FAT atypical cadherin 4; plus strand). Cytogenetic location: 4q28.1.
Variant type: single nucleotide variant.
Coding change: c.7832G>A on transcript NM_001291303.3 (MANE Select); coding-DNA position 7832, G replaced by A.
Protein change: p.Gly2611Asp; replaces glycine 2611 with aspartic acid.
Molecular consequence: missense variant.
Genome position (GRCh38, 1-based): chr4:125,448,842, G>A. VCF-style: chr4-125448842-G-A. GRCh37 (hg19) VCF-style: chr4-126369997-G-A.
Other names: c.7832G>A, p.Gly2611Asp (NM_001291285.3); c.7826G>A, p.Gly2609Asp (NM_024582.6); short protein forms G2609D, G2611D.
Identifiers: ClinVar variation 3255126 (VCV003255126.1), dbSNP rs2530891480.
Genomic context (GRCh38, chr4:125,448,842, plus strand): 5'-TCACAGGATCCTCTTTAAGAGGAGAACCTATGTCATATTATATCGCAAGTGGGAATCTTG[G>A]CAATACTTTCCAGATTGATCAGTTAACAGGGCAGGTGTCTATTAGTCAACCTCTGGATTT-3'
Protein context (NP_001278232.1, residues 2601-2621): MSYYIASGNL[Gly2611Asp]NTFQIDQLTG

ClinVar aggregate classification (germline): Uncertain significance (1 of 4 stars; one submission).

Conditions:
Van Maldergem syndrome 2 (VMLDS2). Identifiers: Orphanet 314679, MedGen C3809875, MONDO:0014242, OMIM 615546.

Allele frequency attached by ClinVar (database versions not stated): gnomAD exomes below 0.00001.
gnomAD v4.1: 1 of 1,608,256 alleles (0.000062%); highest among the groups gnomAD compares: Non-Finnish European, 0.000085%; no homozygotes.

Submission:

Victorian Clinical Genetics Services, Murdoch Childrens Research Institute
Classification: Uncertain significance for Van Maldergem syndrome 2. Last evaluated: 2023-07-16. Review status: criteria provided, single submitter. Criteria: ACMG Guidelines, 2015. Collection method: clinical testing. Allele origin: germline. Inheritance: Autosomal recessive inheritance. Affected: yes.
Comment: Based on the classification scheme VCGS_Germline_v1.3.4, this variant is classified as VUS-3C. Following criteria are met: 0102 - Loss of function is a known mechanism of disease in this gene and is associated with Hennekam lymphangiectasia-lymphedema syndrome 2 (MIM#616006) and Van Maldergem syndrome 2 (MIM#615546). (I) 0106 - This gene is associated with autosomal recessive disease. (I) 0200 - Variant is predicted to result in a missense amino acid change from glycine to aspartic acid. (I) 0251 - This variant is heterozygous. (I) 0301 - Variant is absent from gnomAD (both v2 and v3). (SP) 0504 - Same amino acid change has been observed in placental mammals. (SB) 0600 - Variant is located in the annotated cadherin tandem repeat domain (NCBI conserved domains). (I) 0710 - Another missense variant comparable to the one identified in this case has inconclusive previous evidence for pathogenicity. This alternative change (p.(Gly2611Ser)) has been reported as a VUS (ClinVar). (I) 0807 - This variant has no previous evidence of pathogenicity. (I) 0905 - No published segregation evidence has been identified for this variant. (I) 1007 - No published functional evidence has been identified for this variant. (I) 1208 - Inheritance information for this variant is not currently available in this individual. (I) Legend: (SP) - Supporting pathogenic, (I) - Information, (SB) - Supporting benign